The following is an entry in ClinVar:

NM_153026.3(PRICKLE1):c.10G>A (p.Glu4Lys)

Gene: PRICKLE1 (prickle planar cell polarity protein 1; minus strand). Cytogenetic location: 12q12.
Variant type: single nucleotide variant.
Coding change: c.10G>A on transcript NM_153026.3 (MANE Select); coding-DNA position 10, G replaced by A.
Protein change: p.Glu4Lys; replaces glutamic acid 4 with lysine.
Molecular consequence: missense variant.
Genome position (GRCh38, 1-based): chr12:42,472,507, C>T on the plus strand (G>A on the coding strand, the complement: PRICKLE1 is on the minus strand). VCF-style: chr12-42472507-C-T. GRCh37 (hg19) VCF-style: chr12-42866309-C-T.
Other names: c.10G>A, p.Glu4Lys (NM_001144881.2, NM_001144882.2, NM_001144883.2); short protein forms E4K.
Identifiers: ClinVar variation 2077777 (VCV002077777.5), dbSNP rs762525821, ClinGen allele CA6520009.

ClinVar aggregate classification (germline): Uncertain significance. Review status: criteria provided, multiple submitters, no conflicts (2 of 4 stars). 2 submissions from 2 submitters: Uncertain significance (2). Last evaluated 2025-03-18.

Conditions:
Epilepsy, progressive myoclonic, 1B. Also called: PME. Identifiers: Orphanet 308, MedGen C2676254, MONDO:0012904, OMIM 612437.

Allele frequency attached by ClinVar (database versions not stated): gnomAD 0.00001; gnomAD exomes below 0.00001; TOPMed 0.00001; ExAC 0.00001.
gnomAD v4.1: 9 of 1,614,040 alleles (0.00056%); highest among the groups gnomAD compares: East Asian, 0.0045%; no homozygotes.

Submissions (2):

Labcorp Genetics (formerly Invitae), Labcorp
Classification: Uncertain significance for Epilepsy, progressive myoclonic, 1B. Last evaluated: 2025-03-18. Review status: criteria provided, single submitter. Criteria: Invitae Variant Classification Sherloc (09022015). Collection method: clinical testing. Allele origin: germline.
Comment: This sequence change replaces glutamic acid, which is acidic and polar, with lysine, which is basic and polar, at codon 4 of the PRICKLE1 protein (p.Glu4Lys). This variant is present in population databases (rs762525821, gnomAD 0.006%). This variant has not been reported in the literature in individuals affected with PRICKLE1-related conditions. ClinVar contains an entry for this variant (Variation ID: 2077777). An algorithm developed to predict the effect of missense changes on protein structure and function (PolyPhen-2) suggests that this variant is likely to be tolerated. In summary, the available evidence is currently insufficient to determine the role of this variant in disease. Therefore, it has been classified as a Variant of Uncertain Significance.

Ambry Genetics
Classification: Uncertain significance. Last evaluated: 2022-09-07. Review status: criteria provided, single submitter. Criteria: Ambry Variant Classification Scheme 2023. Collection method: clinical testing. Allele origin: germline.